The following is an entry in ClinVar:

NM_001943.5(DSG2):c.233C>A (p.Ala78Glu)

Gene: DSG2 (desmoglein 2; plus strand). Cytogenetic location: 18q12.1.
Variant type: single nucleotide variant.
Coding change: c.233C>A on transcript NM_001943.5 (MANE Select); coding-DNA position 233, C replaced by A.
Protein change: p.Ala78Glu; replaces alanine 78 with glutamic acid.
Molecular consequence: missense variant.
Genome position (GRCh38, 1-based): chr18:31,520,819, C>A. VCF-style: chr18-31520819-C-A. GRCh37 (hg19) VCF-style: chr18-29100782-C-A.
Other names: short protein forms A78E.
Identifiers: ClinVar variation 921885 (VCV000921885.9), dbSNP rs769649528, ClinGen allele CA045828.

ClinVar aggregate classification (germline): Conflicting classifications of pathogenicity. Review status: criteria provided, conflicting classifications (1 of 4 stars). 5 submissions from 5 submitters: Uncertain significance (4); Likely benign (1). Last evaluated 2024-11-04.

Conditions:
Arrhythmogenic right ventricular cardiomyopathy (ARVD). Also called: Cardiomyopathy, ARVC; Arrhythmogenic right ventricular dysplasia; Arrhythmogenic cardiomyopathy; Arrhythmogenic Right Ventricular Cardiomyopathy (ARVC). Identifiers: Orphanet 247, MedGen C0349788, MeSH D019571, MONDO:0016587. Disease mechanism: loss of function. Inheritance: Various modes of inheritance.
Arrhythmogenic right ventricular dysplasia 10. Also called: Arrhythmogenic Right Ventricular Dysplasia/Cardiomyopathy10; Arrhythmogenic right ventricular dysplasia/cardiomyopathy, type 10; ARRHYTHMOGENIC RIGHT VENTRICULAR DYSPLASIA, FAMILIAL, 10. Identifiers: MedGen C1857777, MONDO:0012434, OMIM 610193.
Dilated cardiomyopathy 1BB (CMD1BB). Also called: CARDIOMYOPATHY, DILATED, 1BB, SUSCEPTIBILITY TO. Identifiers: Orphanet 154, MedGen C2752072, MONDO:0013030, OMIM 612877.
Cardiomyopathy (CMYO). Also called: Cardiomyopathies. Identifiers: Orphanet 167848, MedGen C0878544, MONDO:0004994, HP:0001638. Inheritance: Various modes of inheritance.

Allele frequency attached by ClinVar (database versions not stated): gnomAD exomes below 0.00001; TOPMed below 0.00001; ExAC 0.00001; gnomAD 0.00001.
gnomAD v4.1: 17 of 1,613,372 alleles (0.0011%); highest among the groups gnomAD compares: Non-Finnish European, 0.0014%; no homozygotes.

Submissions (5):

Blueprint Genetics
Classification: Likely benign. Last evaluated: 2024-11-04. Review status: criteria provided, single submitter. Criteria: ACMG Guidelines, 2015. Collection method: clinical testing. Allele origin: germline.

Color Diagnostics, LLC DBA Color Health
Classification: Uncertain significance for Cardiomyopathy. Last evaluated: 2024-03-07. Review status: criteria provided, single submitter. Criteria: ACMG Guidelines, 2015. Collection method: clinical testing. Allele origin: germline.
Comment: This missense variant replaces alanine with glutamic acid at codon 78 of the DSG2 protein. Computational prediction suggests that this variant may not impact protein structure and function (internally defined REVEL score threshold <= 0.5, PMID: 27666373). To our knowledge, functional studies have not been reported for this variant. This variant has not been reported in individuals affected with DSG2-related disorders in the literature. This variant has been identified in 1/249156 chromosomes in the general population by the Genome Aggregation Database (gnomAD). The available evidence is insufficient to determine the role of this variant in disease conclusively. Therefore, this variant is classified as a Variant of Uncertain Significance.

All of Us Research Program, National Institutes of Health
Classification: Uncertain significance for Arrhythmogenic right ventricular cardiomyopathy. Last evaluated: 2023-06-08. Review status: criteria provided, single submitter. Criteria: ACMG Guidelines, 2015. Collection method: clinical testing. Allele origin: germline. Inheritance: Autosomal dominant inheritance. Observed: 2 variant alleles, 2 heterozygotes.
Comment: This missense variant replaces alanine with glutamic acid at codon 78 of the DSG2 protein. Computational prediction suggests that this variant may not impact protein structure and function (internally defined REVEL score threshold <= 0.5, PMID: 27666373). To our knowledge, functional studies have not been reported for this variant. This variant has not been reported in individuals affected with cardiovascular disorders in the literature. This variant has been identified in 1/249156 chromosomes in the general population by the Genome Aggregation Database (gnomAD). The available evidence is insufficient to determine the role of this variant in disease conclusively. Therefore, this variant is classified as a Variant of Uncertain Significance.

This study involves interpretation of variants in research participants for the purpose of population health screening. Participant phenotype was not available at the time of variant classification. Additional details can be found in publication PMID: 35346344, PMCID: PMC8962531

Labcorp Genetics (formerly Invitae), Labcorp
Classification: Uncertain significance for Arrhythmogenic right ventricular dysplasia 10. Last evaluated: 2023-04-18. Review status: criteria provided, single submitter. Criteria: Invitae Variant Classification Sherloc (09022015). Collection method: clinical testing. Allele origin: germline.
Comment: This variant is not present in population databases (gnomAD no frequency). In summary, the available evidence is currently insufficient to determine the role of this variant in disease. Therefore, it has been classified as a Variant of Uncertain Significance. Algorithms developed to predict the effect of sequence changes on RNA splicing suggest that this variant may disrupt the consensus splice site. Advanced modeling of protein sequence and biophysical properties (such as structural, functional, and spatial information, amino acid conservation, physicochemical variation, residue mobility, and thermodynamic stability) performed at Invitae indicates that this missense variant is not expected to disrupt DSG2 protein function. ClinVar contains an entry for this variant (Variation ID: 921885). This variant has not been reported in the literature in individuals affected with DSG2-related conditions. This sequence change replaces alanine, which is neutral and non-polar, with glutamic acid, which is acidic and polar, at codon 78 of the DSG2 protein (p.Ala78Glu).

Fulgent Genetics
Classification: Uncertain significance for Arrhythmogenic right ventricular dysplasia 10; Dilated cardiomyopathy 1BB. Last evaluated: 2021-10-18. Review status: criteria provided, single submitter. Criteria: ACMG Guidelines, 2015. Collection method: clinical testing. Allele origin: unknown.